The following is an entry in ClinVar:

ClinVar aggregate classification (germline): Uncertain significance (1 of 4 stars; one submission).

Conditions:
Cardiovascular phenotype. Identifiers: MedGen CN230736.

gnomAD v4.1: 35 of 1,613,266 alleles (0.0022%); highest among the groups gnomAD compares: South Asian, 0.037%; 1 homozygote.

Submission:

Ambry Genetics
Classification: Uncertain significance for Cardiovascular phenotype. Last evaluated: 2026-06-20. Review status: criteria provided, single submitter. Criteria: Ambry Variant Classification Scheme 2023. Collection method: clinical testing. Allele origin: germline.
Comment: The p.R1925G variant (also known as c.5773C>G), located in coding exon 42 of the ABCA1 gene, results from a C to G substitution at nucleotide position 5773. The arginine at codon 1925 is replaced by glycine, an amino acid with dissimilar properties. This amino acid position is conserved. In addition, the in silico prediction for this alteration is inconclusive. Based on the available evidence, the clinical significance of this variant remains unclear.

NM_005502.4(ABCA1):c.5773C>G (p.Arg1925Gly)

Gene: ABCA1 (ATP binding cassette subfamily A member 1; minus strand). Cytogenetic location: 9q31.1.
Variant type: single nucleotide variant.
Coding change: c.5773C>G on transcript NM_005502.4 (MANE Select); coding-DNA position 5773, C replaced by G.
Protein change: p.Arg1925Gly; replaces arginine 1925 with glycine.
Molecular consequence: missense variant.
Genome position (GRCh38, 1-based): chr9:104,791,983, G>C on the plus strand (C>G on the coding strand, the complement: ABCA1 is on the minus strand). VCF-style: chr9-104791983-G-C. GRCh37 (hg19) VCF-style: chr9-107554264-G-C.
Other names: short protein forms R1925G.
Identifiers: ClinVar variation 5033237 (VCV005033237.1).